The following is an entry in ClinVar:

ClinVar aggregate classification (germline): Likely benign (0 of 4 stars; one submission).

Conditions:
PLXNA3-related disorder. Also called: PLXNA3-related condition.

Submission:

PreventionGenetics, part of Exact Sciences
Classification: Likely benign for PLXNA3-related condition. Last evaluated: 2021-10-27. Review status: no assertion criteria provided. Collection method: clinical testing. Allele origin: germline.
Comment: This variant is classified as likely benign based on ACMG/AMP sequence variant interpretation guidelines (Richards et al. 2015 PMID: 25741868, with internal and published modifications).

NM_017514.5(PLXNA3):c.4722A>C (p.Ala1574=)

Gene: PLXNA3 (plexin A3; plus strand). Cytogenetic location: Xq28.
Variant type: single nucleotide variant.
Coding change: c.4722A>C on transcript NM_017514.5 (MANE Select); coding-DNA position 4722, A replaced by C.
Protein change: p.Ala1574=; no amino-acid change (alanine 1574 retained).
Molecular consequence: synonymous variant.
Genome position (GRCh38, 1-based): chrX:154,469,711, A>C. VCF-style: chrX-154469711-A-C. GRCh37 (hg19) VCF-style: chrX-153698054-A-C.
Identifiers: ClinVar variation 3358468 (VCV003358468.1).
Genomic context (GRCh38, chrX:154,469,711, plus strand): 5'-TTCCTGCACTGCCCCCCTCTGTCTCTGGGGCCTCCAGGTGACAGACGGTTCCTTGGTGGC[A>C]TTGGTGCCCAAACAAGTGTCTGCCTATAACATGGCCAACTCCTTCACCTTCACCCGCTCC-3'
Protein context (NP_059984.3, residues 1564-1584): HYQVTDGSLV[Ala1574=]LVPKQVSAYN